The following is an entry in ClinVar:

NM_002473.6(MYH9):c.4874A>C (p.His1625Pro)

Gene: MYH9 (myosin heavy chain 9; minus strand). Cytogenetic location: 22q12.3.
Variant type: single nucleotide variant.
Coding change: c.4874A>C on transcript NM_002473.6 (MANE Select); coding-DNA position 4874, A replaced by C.
Protein change: p.His1625Pro; replaces histidine 1625 with proline.
Molecular consequence: missense variant.
Genome position (GRCh38, 1-based): chr22:36,288,310, T>G on the plus strand (A>C on the coding strand, the complement: MYH9 is on the minus strand). VCF-style: chr22-36288310-T-G. GRCh37 (hg19) VCF-style: chr22-36684356-T-G.
Other names: short protein forms H1625P.
Identifiers: ClinVar variation 3643334 (VCV003643334.2).
Genomic context (GRCh38, chr22:36,288,310, plus strand): 5'-ACCTGCAGCTTCCGCAGCTGTTTGATGGCTTCGTCCCGGTTCTTGTTGGCCGAGTCGATG[T>G]GCGCCTCCAGGTCCTTCAGGTCCATCTCCAGCTTCTTCCGGGCGGCCACTGCCATCGAGC-3'
Protein context (NP_002464.1, residues 1615-1635): LEMDLKDLEA[His1625Pro]IDSANKNRDE

ClinVar aggregate classification (germline): Uncertain significance (1 of 4 stars; one submission).

Submission:

Labcorp Genetics (formerly Invitae), Labcorp
Classification: Uncertain significance. Last evaluated: 2024-03-07. Review status: criteria provided, single submitter. Criteria: Invitae Variant Classification Sherloc (09022015). Collection method: clinical testing. Allele origin: germline.
Comment: This sequence change replaces histidine, which is basic and polar, with proline, which is neutral and non-polar, at codon 1625 of the MYH9 protein (p.His1625Pro). This variant is not present in population databases (gnomAD no frequency). This variant has not been reported in the literature in individuals affected with MYH9-related conditions. Advanced modeling of protein sequence and biophysical properties (such as structural, functional, and spatial information, amino acid conservation, physicochemical variation, residue mobility, and thermodynamic stability) performed at Invitae indicates that this missense variant is not expected to disrupt MYH9 protein function with a negative predictive value of 95%. In summary, the available evidence is currently insufficient to determine the role of this variant in disease. Therefore, it has been classified as a Variant of Uncertain Significance.